The following is an entry in ClinVar:

NM_003072.5(SMARCA4):c.4791C>G (p.Ile1597Met)

Gene: SMARCA4 (SWI/SNF related BAF chromatin remodeling complex subunit ATPase 4; plus strand). Cytogenetic location: 19p13.2.
Variant type: single nucleotide variant.
Coding change: c.4791C>G on transcript NM_003072.5 (MANE Select); coding-DNA position 4791, C replaced by G.
Protein change: p.Ile1597Met; replaces isoleucine 1597 with methionine.
Molecular consequence: missense variant. On other transcripts: non-coding transcript variant (1).
Genome position (GRCh38, 1-based): chr19:11,060,067, C>G. VCF-style: chr19-11060067-C-G. GRCh37 (hg19) VCF-style: chr19-11170743-C-G.
Other names: c.4791C>G, p.Ile1597Met (NM_001128844.3); c.4701C>G, p.Ile1567Met (NM_001128845.2); c.4698C>G, p.Ile1566Met (NM_001128846.2); c.4692C>G, p.Ile1564Met (NM_001128847.4, NM_001374457.1); c.4689C>G, p.Ile1563Met (NM_001128848.2); c.4887C>G, p.Ile1629Met (NM_001128849.3, NM_001387283.1); c.4788C>G, p.Ile1596Met (NM_001411150.1); short protein forms I1564M, I1629M, I1597M, I1563M, I1566M, I1567M, I1596M.
Identifiers: ClinVar variation 2452852 (VCV002452852.2), dbSNP rs2147123937, ClinGen allele CA404080347.
Genomic context (GRCh38, chr19:11,060,067, plus strand): 5'-AGAGCTCAAGGCTGTCTTTCCCTCCCGGTCCCCTCCAGCTCGGTCCGTCAAAGTGAAGAT[C>G]AAGCTTGGCCGGAAGGAGAAGGCACAGGACCGGCTGAAGGGCGGCCGGCGGCGGCCGAGC-3'
Protein context (NP_003063.2, residues 1587-1607): ESESRSVKVK[Ile1597Met]KLGRKEKAQD

ClinVar aggregate classification (germline): Uncertain significance (1 of 4 stars; one submission).

Conditions:
Hereditary cancer-predisposing syndrome. Also called: Neoplastic Syndromes, Hereditary; Tumor predisposition; Hereditary neoplastic syndrome; Hereditary Cancer Syndrome. Identifiers: Orphanet 140162, MedGen C0027672, MeSH D009386, MONDO:0015356.

gnomAD v4.1: 2 of 1,556,682 alleles (0.00013%); highest among the groups gnomAD compares: Non-Finnish European, 0.00017%; no homozygotes.

Submission:

Ambry Genetics
Classification: Uncertain significance for Hereditary cancer-predisposing syndrome. Last evaluated: 2022-12-13. Review status: criteria provided, single submitter. Criteria: Ambry Variant Classification Scheme 2023. Collection method: clinical testing. Allele origin: germline.
Comment: The p.I1629M variant (also known as c.4887C>G), located in coding exon 34 of the SMARCA4 gene, results from a C to G substitution at nucleotide position 4887. The isoleucine at codon 1629 is replaced by methionine, an amino acid with highly similar properties. This amino acid position is highly conserved in available vertebrate species. In addition, the in silico prediction for this alteration is inconclusive. Missense and in-frame variants in SMARCA4 are known to cause neurodevelopmental disorders; however, such associations with rhabdoid tumor predisposition syndrome including small cell carcinoma of the ovary-hypercalcemic type (SCCOHT) are exceedingly rare (Kosho T et al. Am J Med Genet C Semin Med Genet. 2014 Sep;166C(3):262-75; Jelinic P et al. Nat Genet. 2014 May;46(5):424-6). Based on the supporting evidence, the association of this alteration with Coffin-Siris syndrome is unknown; however, the association of this alteration with rhabdoid tumor predisposition syndrome is unlikely.